The following is an entry in ClinVar:

NM_198503.5(KCNT2):c.3238C>G (p.Leu1080Val)

Gene: KCNT2 (potassium sodium-activated channel subfamily T member 2; minus strand). Cytogenetic location: 1q31.3.
Variant type: single nucleotide variant.
Coding change: c.3238C>G on transcript NM_198503.5 (MANE Select); coding-DNA position 3238, C replaced by G.
Protein change: p.Leu1080Val; replaces leucine 1080 with valine.
Molecular consequence: missense variant. On other transcripts: non-coding transcript variant (2).
Genome position (GRCh38, 1-based): chr1:196,236,044, G>C on the plus strand (C>G on the coding strand, the complement: KCNT2 is on the minus strand). VCF-style: chr1-196236044-G-C. GRCh37 (hg19) VCF-style: chr1-196205174-G-C.
Other names: c.3166C>G, p.Leu1056Val (NM_001287819.3); c.3037C>G, p.Leu1013Val (NM_001287820.3); short protein forms L1080V, L1013V, L1056V.
Identifiers: ClinVar variation 5009519 (VCV005009519.1).

ClinVar aggregate classification (germline): Uncertain significance (1 of 4 stars; one submission).

Submission:

GeneDx
Classification: Uncertain significance. Last evaluated: 2026-03-19. Review status: criteria provided, single submitter. Criteria: GeneDx Variant Classification Process June 2021. Collection method: clinical testing. Allele origin: germline.
Comment: Not observed at significant frequency in large population cohorts (gnomAD); In silico analysis suggests that this missense variant does not alter protein structure/function; Has not been previously published as pathogenic or benign to our knowledge